The following is an entry in ClinVar:

NM_014874.4(MFN2):c.1708A>G (p.Asn570Asp)

Genes: MFN2 (mitofusin 2; plus strand), LOC129929426 (ATAC-STARR-seq lymphoblastoid active region 185; plus strand). Cytogenetic location: 1p36.22.
Variant type: single nucleotide variant.
Coding change: c.1708A>G on transcript NM_014874.4 (MANE Select); coding-DNA position 1708, A replaced by G.
Protein change: p.Asn570Asp; replaces asparagine 570 with aspartic acid.
Molecular consequence: missense variant.
Genome position (GRCh38, 1-based): chr1:12,005,923, A>G. VCF-style: chr1-12005923-A-G. GRCh37 (hg19) VCF-style: chr1-12065980-A-G.
Other names: c.1708A>G, p.Asn570Asp (NM_001127660.2); short protein forms N570D.
Identifiers: ClinVar variation 2976550 (VCV002976550.3), dbSNP rs1639389371, ClinGen allele CA338448278.

ClinVar aggregate classification (germline): Uncertain significance (1 of 4 stars; one submission).

Conditions:
Charcot-Marie-Tooth disease type 2. Also called: Charcot-Marie-Tooth type 2. Identifiers: Orphanet 64746, MedGen C0270914, MONDO:0018993.

Allele frequency attached by ClinVar (database versions not stated): gnomAD exomes below 0.00001; gnomAD 0.00001.
gnomAD v4.1: 4 of 1,613,326 alleles (0.00025%); highest among the groups gnomAD compares: Admixed American, 0.0017%; no homozygotes.

Submission:

Labcorp Genetics (formerly Invitae), Labcorp
Classification: Uncertain significance for Charcot-Marie-Tooth disease type 2. Last evaluated: 2023-12-18. Review status: criteria provided, single submitter. Criteria: Invitae Variant Classification Sherloc (09022015). Collection method: clinical testing. Allele origin: germline.
Comment: This sequence change replaces asparagine, which is neutral and polar, with aspartic acid, which is acidic and polar, at codon 570 of the MFN2 protein (p.Asn570Asp). This variant is not present in population databases (gnomAD no frequency). This variant has not been reported in the literature in individuals affected with MFN2-related conditions. Advanced modeling of protein sequence and biophysical properties (such as structural, functional, and spatial information, amino acid conservation, physicochemical variation, residue mobility, and thermodynamic stability) performed at Invitae indicates that this missense variant is not expected to disrupt MFN2 protein function with a negative predictive value of 95%. In summary, the available evidence is currently insufficient to determine the role of this variant in disease. Therefore, it has been classified as a Variant of Uncertain Significance.